The following is an entry in ClinVar:

ClinVar aggregate classification (germline): Uncertain significance. Review status: criteria provided, multiple submitters, no conflicts (2 of 4 stars). 5 submissions from 5 submitters: Uncertain significance (4). 1 of the submissions does not count toward it. Last evaluated 2023-12-27.

Conditions:
Inborn genetic diseases. Identifiers: MedGen C0950123, MeSH D030342.
Hearing impairment. Also called: Impaired Hearing. Identifiers: MedGen C1384666, MONDO:0005365, HP:0000365.
MYO7A-related disorder. Also called: MYO7A-related disorders.

Allele frequency attached by ClinVar (database versions not stated): ExAC 0.00002; gnomAD exomes 0.00002; gnomAD 0.00003; TOPMed 0.00004.
gnomAD v4.1: 23 of 1,613,616 alleles (0.0014%); highest among the groups gnomAD compares: Middle Eastern, 0.016%; no homozygotes.

Submissions (5):

Labcorp Genetics (formerly Invitae), Labcorp
Classification: Uncertain significance. Last evaluated: 2023-12-27. Review status: criteria provided, single submitter. Criteria: Invitae Variant Classification Sherloc (09022015). Collection method: clinical testing. Allele origin: germline.
Comment: This sequence change replaces arginine, which is basic and polar, with glutamine, which is neutral and polar, at codon 1967 of the MYO7A protein (p.Arg1967Gln). This variant is present in population databases (rs752881271, gnomAD 0.004%). This variant has not been reported in the literature in individuals affected with MYO7A-related conditions. ClinVar contains an entry for this variant (Variation ID: 806720). Advanced modeling of protein sequence and biophysical properties (such as structural, functional, and spatial information, amino acid conservation, physicochemical variation, residue mobility, and thermodynamic stability) performed at Invitae indicates that this missense variant is not expected to disrupt MYO7A protein function with a negative predictive value of 95%. In summary, the available evidence is currently insufficient to determine the role of this variant in disease. Therefore, it has been classified as a Variant of Uncertain Significance.

Ambry Genetics
Classification: Uncertain significance for Inborn genetic diseases. Last evaluated: 2022-10-12. Review status: criteria provided, single submitter. Criteria: Ambry Variant Classification Scheme 2023. Collection method: clinical testing. Allele origin: germline.

Department of Otolaryngology – Head & Neck Surgery, Cochlear Implant Center
Classification: Uncertain significance for Hearing impairment. Last evaluated: 2021-04-12. Review status: criteria provided, single submitter. Criteria: ClinGen HL ACMG Specifications v1. Collection method: clinical testing. Allele origin: germline. Affected: yes.
Comment: PM2_Moderate, PP3_Supporting

CeGaT Center for Human Genetics Tuebingen
Classification: Uncertain significance. Last evaluated: 2019-03-01. Review status: criteria provided, single submitter. Criteria: CeGaT Center For Human Genetics Tuebingen Variant Classification Criteria Version 2. Collection method: clinical testing. Allele origin: germline. Affected: yes. Observed: 1 variant allele.

PreventionGenetics, part of Exact Sciences
Classification: Uncertain significance for MYO7A-related condition. Last evaluated: 2023-11-13. Review status: no assertion criteria provided. Collection method: clinical testing. Allele origin: germline. Not counted in ClinVar's aggregate classification.
Comment: The MYO7A c.5900G>A variant is predicted to result in the amino acid substitution p.Arg1967Gln. This variant was reported in the heterozygous state without a second potentially causative variant in a patient with hearing loss (Table S3, Tropitzsch. 2022. PubMed ID: 34753855). This variant is reported in 0.0044% of alleles in individuals of European (Non-Finnish) descent in gnomAD. At this time, the clinical significance of this variant is uncertain due to the absence of conclusive functional and genetic evidence.

NM_000260.4(MYO7A):c.5900G>A (p.Arg1967Gln)

Gene: MYO7A (myosin VIIA; plus strand). Cytogenetic location: 11q13.5.
Variant type: single nucleotide variant.
Coding change: c.5900G>A on transcript NM_000260.4 (MANE Select); coding-DNA position 5900, G replaced by A.
Protein change: p.Arg1967Gln; replaces arginine 1967 with glutamine.
Molecular consequence: missense variant.
Genome position (GRCh38, 1-based): chr11:77,208,473, G>A. VCF-style: chr11-77208473-G-A. GRCh37 (hg19) VCF-style: chr11-76919518-G-A.
Other names: c.5786G>A, p.Arg1929Gln (NM_001127180.2); c.5753G>A, p.Arg1918Gln (NM_001369365.1); short protein forms R1929Q, R1967Q, R1918Q.
Identifiers: ClinVar variation 806720 (VCV000806720.50), dbSNP rs752881271, ClinGen allele CA6198863.